The following is an entry in ClinVar:

ClinVar aggregate classification (germline): Benign/Likely benign. Review status: criteria provided, multiple submitters, no conflicts (2 of 4 stars). 2 submissions from 2 submitters: Benign (1); Likely benign (1). Last evaluated 2025-04-09.

Conditions:
Tuberous sclerosis 1 (TSC1). Identifiers: Orphanet 805, MedGen C1854465, MONDO:0008612, OMIM 191100.

Allele frequency attached by ClinVar (database versions not stated): gnomAD exomes below 0.00001.
gnomAD v4.1: 1 of 1,540,666 alleles (0.000065%); highest among the groups gnomAD compares: East Asian, 0.0026%; no homozygotes.

Submissions (2):

Myriad Genetics, Inc.
Classification: Benign for Tuberous sclerosis 1. Last evaluated: 2025-04-09. Review status: criteria provided, single submitter. Criteria: Myriad Autosomal Dominant, Autosomal Recessive and X-Linked Classification Criteria (2023). Collection method: clinical testing. Allele origin: unknown.
Comment: This variant is considered benign. This variant is a silent/synonymous amino acid change and it is not expected to impact splicing.

Labcorp Genetics (formerly Invitae), Labcorp
Classification: Likely benign for Tuberous sclerosis 1. Last evaluated: 2023-12-10. Review status: criteria provided, single submitter. Criteria: Invitae Variant Classification Sherloc (09022015). Collection method: clinical testing. Allele origin: germline.

NM_000368.5(TSC1):c.936C>T (p.Tyr312=)

Gene: TSC1 (TSC complex subunit 1; minus strand). Cytogenetic location: 9q34.13.
Variant type: single nucleotide variant.
Coding change: c.936C>T on transcript NM_000368.5 (MANE Select); coding-DNA position 936, C replaced by T.
Protein change: p.Tyr312=; no amino-acid change (tyrosine 312 retained).
Molecular consequence: synonymous variant. On other transcripts: non-coding transcript variant (5), 5 prime UTR variant (5).
Genome position (GRCh38, 1-based): chr9:132,911,546, G>A on the plus strand (C>T on the coding strand, the complement: TSC1 is on the minus strand). VCF-style: chr9-132911546-G-A. GRCh37 (hg19) VCF-style: chr9-135786933-G-A.
Other names: c.936C>T, p.Tyr312= (NM_001162426.2, NM_001406592.1, NM_001406593.1 and 16 more transcripts); c.783C>T, p.Tyr261= (NM_001162427.2, NM_001406611.1, NM_001406612.1 and 2 more transcripts); c.573C>T, p.Tyr191= (NM_001362177.2, NM_001406614.1, NM_001406615.1 and 10 more transcripts); c.-16C>T (NM_001406626.1, NM_001406627.1, NM_001406628.1); c.-158C>T (NM_001406629.1, NM_001406630.1).
Identifiers: ClinVar variation 2960987 (VCV002960987.4), dbSNP rs118203472, ClinGen allele CA467593497.